The following is an entry in ClinVar:

ClinVar aggregate classification (germline): Uncertain significance (1 of 4 stars; one submission).

Submission:

Labcorp Genetics (formerly Invitae), Labcorp
Classification: Uncertain significance. Last evaluated: 2023-01-16. Review status: criteria provided, single submitter. Criteria: Invitae Variant Classification Sherloc (09022015). Collection method: clinical testing. Allele origin: germline.
Comment: This variant has not been reported in the literature in individuals affected with TNFRSF6B-related conditions. Algorithms developed to predict the effect of missense changes on protein structure and function (SIFT, PolyPhen-2, Align-GVGD) all suggest that this variant is likely to be tolerated. This sequence change replaces proline, which is neutral and non-polar, with glutamine, which is neutral and polar, at codon 244 of the TNFRSF6B protein (p.Pro244Gln). This variant is not present in population databases (gnomAD no frequency). In summary, the available evidence is currently insufficient to determine the role of this variant in disease. Therefore, it has been classified as a Variant of Uncertain Significance.

NM_003823.4(TNFRSF6B):c.731C>A (p.Pro244Gln)

Genes: TNFRSF6B (TNF receptor superfamily member 6b; plus strand), RTEL1-TNFRSF6B (RTEL1-TNFRSF6B readthrough (NMD candidate); plus strand). Cytogenetic location: 20q13.33.
Variant type: single nucleotide variant.
Coding change: c.731C>A on transcript NM_003823.4 (MANE Select); coding-DNA position 731, C replaced by A.
Protein change: p.Pro244Gln; replaces proline 244 with glutamine.
Molecular consequence: missense variant. On other transcripts: non-coding transcript variant (1).
Genome position (GRCh38, 1-based): chr20:63,698,391, C>A. VCF-style: chr20-63698391-C-A. GRCh37 (hg19) VCF-style: chr20-62329744-C-A.
Other names: short protein forms P244Q.
Identifiers: ClinVar variation 2827703 (VCV002827703.3), dbSNP rs561847351, ClinGen allele CA409712056.